The following is an entry in ClinVar:

NM_005732.4(RAD50):c.3293G>A (p.Arg1098Gln)

Gene: RAD50 (RAD50 double strand break repair protein; plus strand). Cytogenetic location: 5q31.1.
Variant type: single nucleotide variant.
Coding change: c.3293G>A on transcript NM_005732.4 (MANE Select); coding-DNA position 3293, G replaced by A.
Protein change: p.Arg1098Gln; replaces arginine 1098 with glutamine.
Molecular consequence: missense variant.
Genome position (GRCh38, 1-based): chr5:132,618,198, G>A. VCF-style: chr5-132618198-G-A. GRCh37 (hg19) VCF-style: chr5-131953890-G-A.
Other names: short protein forms R1098Q.
Identifiers: ClinVar variation 220536 (VCV000220536.15), dbSNP rs864622571, ClinGen allele CA349193.

ClinVar aggregate classification (germline): Uncertain significance. Review status: criteria provided, multiple submitters, no conflicts (2 of 4 stars). 3 submissions from 3 submitters: Uncertain significance (3). Last evaluated 2025-12-23.

Conditions:
Hereditary cancer-predisposing syndrome. Also called: Hereditary neoplastic syndrome; Tumor predisposition; Hereditary Cancer Syndrome; Neoplastic Syndromes, Hereditary. Identifiers: Orphanet 140162, MedGen C0027672, MeSH D009386, MONDO:0015356.

Allele frequency attached by ClinVar (database versions not stated): gnomAD exomes below 0.00001 and 0.00001; gnomAD 0.00001; TOPMed 0.00001.
gnomAD v4.1: 18 of 1,613,756 alleles (0.0011%); highest among the groups gnomAD compares: African/African-American, 0.0027%; no homozygotes.

Submissions (3):

Labcorp Genetics (formerly Invitae), Labcorp
Classification: Uncertain significance for Hereditary cancer-predisposing syndrome. Last evaluated: 2025-12-23. Review status: criteria provided, single submitter. Criteria: Invitae Variant Classification Sherloc (09022015). Collection method: clinical testing. Allele origin: germline.
Comment: This sequence change replaces arginine, which is basic and polar, with glutamine, which is neutral and polar, at codon 1098 of the RAD50 protein (p.Arg1098Gln). This variant is present in population databases (no rsID available, gnomAD 0.006%). This variant has not been reported in the literature in individuals affected with RAD50-related conditions. ClinVar contains an entry for this variant (Variation ID: 220536). Invitae Evidence Modeling of protein sequence and biophysical properties (such as structural, functional, and spatial information, amino acid conservation, physicochemical variation, residue mobility, and thermodynamic stability) indicates that this missense variant is not expected to disrupt RAD50 protein function with a negative predictive value of 80%. In summary, the available evidence is currently insufficient to determine the role of this variant in disease. Therefore, it has been classified as a Variant of Uncertain Significance.

Quest Diagnostics Nichols Institute San Juan Capistrano
Classification: Uncertain significance. Last evaluated: 2025-06-06. Review status: criteria provided, single submitter. Criteria: Quest Diagnostics criteria. Collection method: clinical testing. Allele origin: unknown.
Comment: The RAD50 c.3293G>A (p.Arg1098Gln) variant has not been reported in individuals with RAD50-related conditions in the published literature. The frequency of this variant in the general population (Genome Aggregation Database) is uninformative in the assessment of its pathogenicity. Analysis of this variant using bioinformatics tools for the prediction of the effect of amino acid changes on protein structure and function yielded conflicting predictions that this variant is deleterious or benign. Based on the available information, we are unable to determine the clinical significance of this variant.

Ambry Genetics
Classification: Uncertain significance for Hereditary cancer-predisposing syndrome. Last evaluated: 2022-12-05. Review status: criteria provided, single submitter. Criteria: Ambry Variant Classification Scheme 2023. Collection method: clinical testing. Allele origin: germline.
Comment: The p.R1098Q variant (also known as c.3293G>A), located in coding exon 21 of the RAD50 gene, results from a G to A substitution at nucleotide position 3293. The arginine at codon 1098 is replaced by glutamine, an amino acid with highly similar properties. This amino acid position is not well conserved in available vertebrate species. In addition, this alteration is predicted to be tolerated by in silico analysis. Since supporting evidence is limited at this time, the clinical significance of this alteration remains unclear.